The following is an entry in ClinVar:

ClinVar aggregate classification (germline): Uncertain significance. Review status: criteria provided, multiple submitters, no conflicts (2 of 4 stars). 2 submissions from 2 submitters: Uncertain significance (2). Last evaluated 2024-10-29.

Conditions:
Hereditary cancer-predisposing syndrome. Also called: Hereditary neoplastic syndrome; Hereditary Cancer Syndrome; Neoplastic Syndromes, Hereditary; Tumor predisposition. Identifiers: Orphanet 140162, MedGen C0027672, MeSH D009386, MONDO:0015356.
Hereditary diffuse gastric adenocarcinoma (HDGC). Also called: DIFFUSE GASTRIC AND LOBULAR BREAST CANCER SYNDROME. Identifiers: Orphanet 26106, MedGen C1708349, MONDO:0007648, OMIM 137215.

Allele frequency attached by ClinVar (database versions not stated): gnomAD exomes below 0.00001.
gnomAD v4.1: 1 of 1,613,952 alleles (0.000062%); highest among the groups gnomAD compares: Non-Finnish European, 0.000085%; no homozygotes.

Submissions (2):

Labcorp Genetics (formerly Invitae), Labcorp
Classification: Uncertain significance for Hereditary diffuse gastric adenocarcinoma. Last evaluated: 2024-10-29. Review status: criteria provided, single submitter. Criteria: Invitae Variant Classification Sherloc (09022015). Collection method: clinical testing. Allele origin: germline.
Comment: This sequence change replaces asparagine, which is neutral and polar, with isoleucine, which is neutral and non-polar, at codon 558 of the CDH1 protein (p.Asn558Ile). This variant is not present in population databases (gnomAD no frequency). This variant has not been reported in the literature in individuals affected with CDH1-related conditions. An algorithm developed to predict the effect of missense changes on protein structure and function (PolyPhen-2) suggests that this variant is likely to be disruptive. In summary, the available evidence is currently insufficient to determine the role of this variant in disease. Therefore, it has been classified as a Variant of Uncertain Significance.

Ambry Genetics
Classification: Uncertain significance for Hereditary cancer-predisposing syndrome. Last evaluated: 2023-10-15. Review status: criteria provided, single submitter. Criteria: Ambry Variant Classification Scheme 2023. Collection method: clinical testing. Allele origin: germline.
Comment: The p.N558I variant (also known as c.1673A>T), located in coding exon 11 of the CDH1 gene, results from an A to T substitution at nucleotide position 1673. The asparagine at codon 558 is replaced by isoleucine, an amino acid with dissimilar properties. This amino acid position is conserved. In addition, the in silico prediction for this alteration is inconclusive. Since supporting evidence is limited at this time, the clinical significance of this alteration remains unclear.

NM_004360.5(CDH1):c.1673A>T (p.Asn558Ile)

Gene: CDH1 (cadherin 1; plus strand). Cytogenetic location: 16q22.1.
Variant type: single nucleotide variant.
Coding change: c.1673A>T on transcript NM_004360.5 (MANE Select); coding-DNA position 1673, A replaced by T.
Protein change: p.Asn558Ile; replaces asparagine 558 with isoleucine.
Molecular consequence: missense variant. On other transcripts: intron variant (1).
Genome position (GRCh38, 1-based): chr16:68,819,387, A>T. VCF-style: chr16-68819387-A-T. GRCh37 (hg19) VCF-style: chr16-68853290-A-T.
Other names: c.1490A>T, p.Asn497Ile (NM_001317184.2); c.125A>T, p.Asn42Ile (NM_001317185.2); c.-254-2614A>T (NM_001317186.2); short protein forms N497I, N42I, N558I.
Identifiers: ClinVar variation 2726974 (VCV002726974.4), dbSNP rs2152136954, ClinGen allele CA396465321.